The following is an entry in ClinVar:

ClinVar aggregate classification (germline): Uncertain significance (1 of 4 stars; one submission).

Conditions:
Hereditary cancer-predisposing syndrome. Also called: Neoplastic Syndromes, Hereditary; Tumor predisposition; Hereditary Cancer Syndrome; Hereditary neoplastic syndrome. Identifiers: Orphanet 140162, MedGen C0027672, MeSH D009386, MONDO:0015356.

Submission:

Ambry Genetics
Classification: Uncertain significance for Hereditary cancer-predisposing syndrome. Last evaluated: 2025-11-29. Review status: criteria provided, single submitter. Criteria: Ambry Variant Classification Scheme 2023. Collection method: clinical testing. Allele origin: germline.
Comment: The p.G58R variant (also known as c.172G>C), located in coding exon 3 of the MRE11A gene, results from a G to C substitution at nucleotide position 172. The glycine at codon 58 is replaced by arginine, an amino acid with dissimilar properties. This amino acid position is conserved. In addition, this alteration is predicted to be deleterious by in silico analysis. Based on the available evidence, the clinical significance of this variant remains unclear.

NM_005591.4(MRE11):c.172G>C (p.Gly58Arg)

Gene: MRE11 (MRE11 double strand break repair nuclease; minus strand). Cytogenetic location: 11q21.
Variant type: single nucleotide variant.
Coding change: c.172G>C on transcript NM_005591.4 (MANE Select); coding-DNA position 172, G replaced by C.
Protein change: p.Gly58Arg; replaces glycine 58 with arginine.
Molecular consequence: missense variant. On other transcripts: 5 prime UTR variant (3).
Genome position (GRCh38, 1-based): chr11:94,486,066, C>G on the plus strand (G>C on the coding strand, the complement: MRE11 is on the minus strand). VCF-style: chr11-94486066-C-G. GRCh37 (hg19) VCF-style: chr11-94219232-C-G.
Other names: c.172G>C, p.Gly58Arg (NM_001330347.2, NM_001440460.1, NM_001440461.1 and 21 more transcripts); c.97G>C, p.Gly33Arg (NM_001440471.1, NM_001440472.1, NM_001440479.1); c.-293G>C (NM_001440485.1, NM_001440486.1, NM_001440487.1); short protein forms G33R, G58R.
Identifiers: ClinVar variation 4651198 (VCV004651198.1).